The following is an entry in ClinVar:

NM_022970.4(FGFR2):c.1049A>G (p.Asn350Ser)

Gene: FGFR2 (fibroblast growth factor receptor 2; minus strand). Cytogenetic location: 10q26.13.
Variant type: single nucleotide variant.
Coding change: c.1049A>G on transcript NM_022970.4 (MANE Plus Clinical); coding-DNA position 1049, A replaced by G.
Protein change: p.Asn350Ser; replaces asparagine 350 with serine.
Molecular consequence: missense variant. On other transcripts: non-coding transcript variant (1), intron variant (12).
Genome position (GRCh38, 1-based): chr10:121,518,720, T>C on the plus strand (A>G on the coding strand, the complement: FGFR2 is on the minus strand). VCF-style: chr10-121518720-T-C. GRCh37 (hg19) VCF-style: chr10-123278234-T-C.
Other names: c.1049A>G, p.Asn350Ser (NM_001144913.1, NM_001441087.1); c.782A>G, p.Asn261Ser (NM_001144919.2, NM_001441088.1); c.749-3401A>G (NM_001144914.1); c.595-1257A>G (NM_001144918.2, NM_001441091.1, NM_001441090.1 and 1 more transcripts); c.673-1257A>G (NM_001441089.1, NM_023029.3, NM_001144915.2); c.939+1259A>G (NM_001144917.2); c.940-1257A>G (NM_001320658.2, NM_000141.5); c.256-1257A>G (NM_001320654.2); short protein forms N261S, N350S.
Identifiers: ClinVar variation 3237417 (VCV003237417.1), dbSNP rs1047077.
Genomic context (GRCh38, chr10:121,518,720, plus strand): 5'-ACAAAAATGAAAGCATTGTTACCTTGCTGTTTTGGCAGGACAGTGAGCCAGGCAGACTGG[T>C]TGGCCTGCCCTATATAATTGGAGACCTTACATATATATTCCCCAGCATCCGCCTCGGTCA-3'
Protein context (NP_075259.4, residues 340-360): CKVSNYIGQA[Asn350Ser]QSAWLTVLPK

ClinVar aggregate classification (germline): Uncertain significance (1 of 4 stars; one submission).

Conditions:
Acrocephalosyndactyly type I (ACS1). Also called: Acrocephalo-syndactyly type 1; ACS 1; Syndactylic oxycephaly; Apert syndrome. Identifiers: Orphanet 87, MedGen C0001193, MONDO:0007041, OMIM 101200.

gnomAD v4.1: 7 of 1,614,186 alleles (0.00043%); highest among the groups gnomAD compares: Middle Eastern, 0.016%; no homozygotes.

Submission:

Clinical Genomics Laboratory, Washington University in St. Louis
Classification: Uncertain significance for Acrocephalosyndactyly type I. Last evaluated: 2023-12-14. Review status: criteria provided, single submitter. Criteria: ACMG Guidelines, 2015. Collection method: clinical testing. Allele origin: germline.
Comment: An FGFR2 c.1049A>G (p.Ans350Ser) variant was identified at a near heterozygous allelic fraction of 48.6%, a frequency which may be consistent with germline origin. The FGFR2 c.1049A>G (p.Ans350Ser) variant, to our knowledge, has not been reported in the medical literature. It is only observed on 7/1,461,880 alleles in the general population (gnomAD v.4.0.0), indicating it is not a common variant. Computational predictors suggest that the variant does not impact FGFR2 function. Due to limited information, and based on ACMG/AMP guidelines for variant interpretation (Richards S et al., PMID: 25741868), the clinical significance of this variant is uncertain at this time.